The following is an entry in ClinVar:

ClinVar aggregate classification (germline): Uncertain significance (1 of 4 stars; one submission).

Allele frequency attached by ClinVar (database versions not stated): gnomAD exomes below 0.00001; ExAC 0.00001; gnomAD 0.00001; TOPMed 0.00002; ESP Exome Variant Server 0.00008.
gnomAD v4.1: 3 of 1,613,380 alleles (0.00019%); highest among the groups gnomAD compares: African/African-American, 0.0027%; no homozygotes.

Submission:

Labcorp Genetics (formerly Invitae), Labcorp
Classification: Uncertain significance. Last evaluated: 2022-02-25. Review status: criteria provided, single submitter. Criteria: Invitae Variant Classification Sherloc (09022015). Collection method: clinical testing. Allele origin: germline.
Comment: In summary, the available evidence is currently insufficient to determine the role of this variant in disease. Therefore, it has been classified as a Variant of Uncertain Significance. Algorithms developed to predict the effect of missense changes on protein structure and function are either unavailable or do not agree on the potential impact of this missense change (SIFT: "Deleterious"; PolyPhen-2: "Possibly Damaging"; Align-GVGD: "Class C0"). This sequence change replaces valine, which is neutral and non-polar, with alanine, which is neutral and non-polar, at codon 259 of the C7 protein (p.Val259Ala). This variant has not been reported in the literature in individuals affected with C7-related conditions. This variant is present in population databases (rs373185392, gnomAD 0.01%).

NM_000587.4(C7):c.776T>C (p.Val259Ala)

Gene: C7 (complement C7; plus strand). Cytogenetic location: 5p13.1.
Variant type: single nucleotide variant.
Coding change: c.776T>C on transcript NM_000587.4 (MANE Select); coding-DNA position 776, T replaced by C.
Protein change: p.Val259Ala; replaces valine 259 with alanine.
Molecular consequence: missense variant.
Genome position (GRCh38, 1-based): chr5:40,947,639, T>C. VCF-style: chr5-40947639-T-C. GRCh37 (hg19) VCF-style: chr5-40947741-T-C.
Other names: short protein forms V259A.
Identifiers: ClinVar variation 1417443 (VCV001417443.6), dbSNP rs373185392, ClinGen allele CA3249769.